The following is an entry in ClinVar:

NM_005518.4(HMGCS2):c.586G>C (p.Asp196His)

Gene: HMGCS2 (3-hydroxy-3-methylglutaryl-CoA synthase 2; minus strand). Cytogenetic location: 1p12.
Variant type: single nucleotide variant.
Coding change: c.586G>C on transcript NM_005518.4 (MANE Select); coding-DNA position 586, G replaced by C.
Protein change: p.Asp196His; replaces aspartic acid 196 with histidine.
Molecular consequence: missense variant. On other transcripts: intron variant (1).
Genome position (GRCh38, 1-based): chr1:119,759,963, C>G on the plus strand (G>C on the coding strand, the complement: HMGCS2 is on the minus strand). VCF-style: chr1-119759963-C-G. GRCh37 (hg19) VCF-style: chr1-120302586-C-G.
Other names: c.586G>C (NM_005518.3); c.560-681G>C (NM_001166107.1); short protein forms D196H.
Identifiers: ClinVar variation 1016311 (VCV001016311.8), dbSNP rs149314406, ClinGen allele CA1037844.
Genomic context (GRCh38, chr1:119,759,963, plus strand): 5'-TAGCCACAGCTCCGGCCCCACCTGTGGGACGAGCATTACCACTGGGATAGACGGCAATGT[C>G]TCCACAGACCACCATGGCATAACGACCTGTAAAGAGAAACAAGAAATATTTACCATCATT-3'
Protein context (NP_005509.1, residues 186-206): DGRYAMVVCG[Asp196His]IAVYPSGNAR

ClinVar aggregate classification (germline): Uncertain significance. Review status: criteria provided, multiple submitters, no conflicts (2 of 4 stars). 2 submissions from 2 submitters: Uncertain significance (2). Last evaluated 2026-02-23.

Conditions:
3-hydroxy-3-methylglutaryl-CoA synthase deficiency (HMGCS2D). Also called: HMGCS2 DEFICIENCY; HMG-CoA synthase-2 deficiency; MITOCHONDRIAL HMG-CoA SYNTHASE DEFICIENCY. Identifiers: Orphanet 35701, MedGen C2751532, MONDO:0011614, OMIM 605911.

Allele frequency attached by ClinVar (database versions not stated): gnomAD exomes 0.00005 and 0.00009; ESP Exome Variant Server 0.00008; TOPMed 0.00008; ExAC 0.00009; gnomAD 0.00009 and 0.00010.
gnomAD v4.1: 96 of 1,613,972 alleles (0.0059%); highest among the groups gnomAD compares: African/African-American, 0.0027%; no homozygotes.

Submissions (2):

GeneDx
Classification: Uncertain significance. Last evaluated: 2026-02-23. Review status: criteria provided, single submitter. Criteria: GeneDx Variant Classification Process June 2021. Collection method: clinical testing. Allele origin: germline.
Comment: Missense variants in this gene are a common cause of disease and they are underrepresented in the general population; In silico analysis supports that this missense variant has a deleterious effect on protein structure/function; Has not been previously published as pathogenic or benign to our knowledge

Labcorp Genetics (formerly Invitae), Labcorp
Classification: Uncertain significance for 3-hydroxy-3-methylglutaryl-CoA synthase deficiency. Last evaluated: 2020-11-20. Review status: criteria provided, single submitter. Criteria: Invitae Variant Classification Sherloc (09022015). Collection method: clinical testing. Allele origin: germline.
Comment: This variant is present in population databases (rs149314406, ExAC 0.02%). This variant has not been reported in the literature in individuals with HMGCS2-related conditions. Algorithms developed to predict the effect of missense changes on protein structure and function (SIFT, PolyPhen-2, Align-GVGD) all suggest that this variant is likely to be disruptive, but these predictions have not been confirmed by published functional studies and their clinical significance is uncertain. In summary, the available evidence is currently insufficient to determine the role of this variant in disease. Therefore, it has been classified as a Variant of Uncertain Significance. This sequence change replaces aspartic acid with histidine at codon 196 of the HMGCS2 protein (p.Asp196His). The aspartic acid residue is highly conserved and there is a moderate physicochemical difference between aspartic acid and histidine.